The following is an entry in ClinVar:

ClinVar aggregate classification (germline): Conflicting classifications of pathogenicity. Review status: criteria provided, conflicting classifications (1 of 4 stars). 2 submissions from 2 submitters: Uncertain significance (1); Likely benign (1). Last evaluated 2026-05-29.

Conditions:
Neuroblastoma, susceptibility to, 3. Also called: ALK-Related Neuroblastic Tumor Susceptibility. Identifiers: Orphanet 635, MedGen C2751681, MONDO:0013083, OMIM 613014.
Hereditary cancer-predisposing syndrome. Also called: Hereditary neoplastic syndrome; Neoplastic Syndromes, Hereditary; Tumor predisposition; Hereditary Cancer Syndrome. Identifiers: Orphanet 140162, MedGen C0027672, MeSH D009386, MONDO:0015356.

Allele frequency attached by ClinVar (database versions not stated): TOPMed 0.00001.
gnomAD v4.1: 5 of 1,612,502 alleles (0.00031%); highest among the groups gnomAD compares: South Asian, 0.0011%; no homozygotes.

Submissions (2):

Ambry Genetics
Classification: Likely benign for Hereditary cancer-predisposing syndrome. Last evaluated: 2026-05-29. Review status: criteria provided, single submitter. Criteria: Ambry Variant Classification Scheme 2023. Collection method: clinical testing. Allele origin: germline.

Labcorp Genetics (formerly Invitae), Labcorp
Classification: Uncertain significance for Neuroblastoma, susceptibility to, 3. Last evaluated: 2024-02-22. Review status: criteria provided, single submitter. Criteria: Invitae Variant Classification Sherloc (09022015). Collection method: clinical testing. Allele origin: germline.
Comment: This sequence change replaces lysine, which is basic and polar, with asparagine, which is neutral and polar, at codon 1416 of the ALK protein (p.Lys1416Asn). This variant is not present in population databases (gnomAD no frequency). This missense change has been observed in individual(s) with glioma (PMID: 33486679). ClinVar contains an entry for this variant (Variation ID: 1044437). An algorithm developed to predict the effect of missense changes on protein structure and function (PolyPhen-2) suggests that this variant is likely to be tolerated. In summary, the available evidence is currently insufficient to determine the role of this variant in disease. Therefore, it has been classified as a Variant of Uncertain Significance.

Literature cited by the submitters: PubMed 33486679 (cited by Labcorp Genetics (formerly Invitae), Labcorp).

NM_004304.5(ALK):c.4248G>C (p.Lys1416Asn)

Gene: ALK (ALK receptor tyrosine kinase; minus strand). Cytogenetic location: 2p23.2.
Variant type: single nucleotide variant.
Coding change: c.4248G>C on transcript NM_004304.5 (MANE Select); coding-DNA position 4248, G replaced by C.
Protein change: p.Lys1416Asn; replaces lysine 1416 with asparagine.
Molecular consequence: missense variant.
Genome position (GRCh38, 1-based): chr2:29,193,839, C>G on the plus strand (G>C on the coding strand, the complement: ALK is on the minus strand). VCF-style: chr2-29193839-C-G. GRCh37 (hg19) VCF-style: chr2-29416705-C-G.
Other names: c.1044G>C, p.Lys348Asn (NM_001353765.2); c.4248G>C (NM_004304.4); short protein forms K1416N, K348N.
Identifiers: ClinVar variation 1044437 (VCV001044437.9), dbSNP rs55782189, ClinGen allele CA346463076.